The following is an entry in ClinVar:

ClinVar aggregate classification (germline): Pathogenic/Likely pathogenic. Review status: criteria provided, multiple submitters, no conflicts (2 of 4 stars). 2 submissions from 2 submitters: Pathogenic (1); Likely pathogenic (1). Last evaluated 2025-10-27.

Conditions:
Autosomal dominant and autosomal recessive SCN4A-related disorders.
Hyperkalemic periodic paralysis. Also called: Familial hyperkalemic periodic paralysis; Gamstorp disease. Identifiers: Orphanet 682, MedGen C0238357, MONDO:0008224, OMIM 170500, HP:0007215.

Submissions (2):

Variantyx, Inc.
Classification: Likely pathogenic for Autosomal dominant and autosomal recessive SCN4A-related disorders. Last evaluated: 2025-10-27. Review status: criteria provided, single submitter. Criteria: Variantyx Assertion Criteria 2022. Collection method: clinical testing. Allele origin: germline. Inheritance: Autosomal dominant inheritance. Affected: yes.
Comment: This is a frameshift variant in the SCN4A gene (OMIM: 603967). Pathogenic variants in this gene have been associated with autosomal dominant and autosomal recessive SCN4A-related disorders. This variant introduces a premature termination codon in exon 18 out of 24 and is expected to result in loss of function, which is a known disease mechanism for SCN4A in this disorder (PMID: 26700687) (PVS1). This variant is absent from control populations (PM2). Based on the current evidence, this variant is classified as likely pathogenic for autosomal dominant and autosomal recessive SCN4A-related disorders.

Labcorp Genetics (formerly Invitae), Labcorp
Classification: Pathogenic for Hyperkalemic periodic paralysis. Last evaluated: 2024-01-07. Review status: criteria provided, single submitter. Criteria: Invitae Variant Classification Sherloc (09022015). Collection method: clinical testing. Allele origin: germline.
Comment: This sequence change creates a premature translational stop signal (p.Ala1133Profs*5) in the SCN4A gene. It is expected to result in an absent or disrupted protein product. Loss-of-function variants in SCN4A are known to be pathogenic (PMID: 26700687). This variant is not present in population databases (gnomAD no frequency). This variant has not been reported in the literature in individuals affected with SCN4A-related conditions. ClinVar contains an entry for this variant (Variation ID: 2133553). For these reasons, this variant has been classified as Pathogenic.

Literature cited by the submitters: PubMed 26700687 (cited by Variantyx, Inc. and Labcorp Genetics (formerly Invitae), Labcorp).

NM_000334.4(SCN4A):c.3397del (p.Ala1133fs)

Genes: GH-LCR (growth hormone locus control region; plus strand), SCN4A (sodium voltage-gated channel alpha subunit 4; minus strand). Cytogenetic location: 17q23.3.
Variant type: Deletion.
Coding change: c.3397del on transcript NM_000334.4 (MANE Select); coding-DNA position 3397, one base deleted (G; older notation c.3397delG).
Protein change: p.Ala1133fs; shifts the reading frame from alanine 1133.
Molecular consequence: frameshift variant.
Genome position (GRCh38, 1-based): chr17:63,947,089, C deleted on the plus strand (G on the coding strand, the reverse complement: SCN4A is on the minus strand); the first of 3 consecutive C bases (chr17:63,947,089-63,947,091); deleting any one gives the same sequence. VCF-style (leftmost placement, unchanged base first): chr17-63947088-GC-G. GRCh37 (hg19) VCF-style: chr17-62024448-GC-G.
Other names: short protein forms A1133fs.
Identifiers: ClinVar variation 2133553 (VCV002133553.5), dbSNP rs2509293167, ClinGen allele CA2580094600.